The following is an entry in ClinVar:

NM_032119.4(ADGRV1):c.10370A>G (p.Glu3457Gly)

Gene: ADGRV1 (adhesion G protein-coupled receptor V1; plus strand). Cytogenetic location: 5q14.3.
Variant type: single nucleotide variant.
Coding change: c.10370A>G on transcript NM_032119.4 (MANE Select); coding-DNA position 10370, A replaced by G.
Protein change: p.Glu3457Gly; replaces glutamic acid 3457 with glycine.
Molecular consequence: missense variant. On other transcripts: non-coding transcript variant (1).
Genome position (GRCh38, 1-based): chr5:90,728,877, A>G. VCF-style: chr5-90728877-A-G. GRCh37 (hg19) VCF-style: chr5-90024694-A-G.
Other names: short protein forms E3457G.
Identifiers: ClinVar variation 1417922 (VCV001417922.6), dbSNP rs753763098, ClinGen allele CA3340729.

ClinVar aggregate classification (germline): Uncertain significance (1 of 4 stars; one submission).

Allele frequency attached by ClinVar (database versions not stated): gnomAD exomes below 0.00001; ExAC 0.00001.
gnomAD v4.1: 2 of 1,613,588 alleles (0.00012%); highest among the groups gnomAD compares: Non-Finnish European, 0.00017%; no homozygotes.

Submission:

Labcorp Genetics (formerly Invitae), Labcorp
Classification: Uncertain significance. Last evaluated: 2021-11-30. Review status: criteria provided, single submitter. Criteria: Invitae Variant Classification Sherloc (09022015). Collection method: clinical testing. Allele origin: germline.
Comment: Algorithms developed to predict the effect of missense changes on protein structure and function are either unavailable or do not agree on the potential impact of this missense change (SIFT: "Deleterious"; PolyPhen-2: "Possibly Damaging"; Align-GVGD: "Class C0"). In summary, the available evidence is currently insufficient to determine the role of this variant in disease. Therefore, it has been classified as a Variant of Uncertain Significance. This variant has not been reported in the literature in individuals affected with ADGRV1-related conditions. This sequence change replaces glutamic acid, which is acidic and polar, with glycine, which is neutral and non-polar, at codon 3457 of the ADGRV1 protein (p.Glu3457Gly). This variant is present in population databases (rs753763098, gnomAD 0.0009%).